The following is an entry in ClinVar:

NM_012186.3(FOXE3):c.410G>A (p.Gly137Asp)

Genes: FOXE3 (forkhead box E3; plus strand), LINC01389 (long independently transcribed non-coding RNA 1389; minus strand). Cytogenetic location: 1p33.
Variant type: single nucleotide variant.
Coding change: c.410G>A on transcript NM_012186.3 (MANE Select); coding-DNA position 410, G replaced by A.
Protein change: p.Gly137Asp; replaces glycine 137 with aspartic acid.
Molecular consequence: missense variant.
Genome position (GRCh38, 1-based): chr1:47,416,725, G>A. VCF-style: chr1-47416725-G-A. GRCh37 (hg19) VCF-style: chr1-47882397-G-A.
Other names: short protein forms G137D.
Identifiers: ClinVar variation 375652 (VCV000375652.4), dbSNP rs749960549, ClinGen allele CA842958.

ClinVar aggregate classification (germline): Uncertain significance. Review status: criteria provided, single submitter (1 of 4 stars). 3 submissions from 3 submitters: Uncertain significance (1). 2 of the submissions do not count toward it. Last evaluated 2025-06-15.

Conditions:
Congenital aneurysm of ascending aorta (AAT1). Also called: ANNULOAORTIC ECTASIA; Aortic aneurysm, thoracic; Familial thoracic aortic aneurysm; AORTIC ANEURYSM, FAMILIAL THORACIC 1. Identifiers: Orphanet 229, MedGen C0345050, MONDO:0024559, OMIM 607086.
Acute aortic dissection. Identifiers: MedGen C0241868.
Aortic aneurysm, familial thoracic 11, susceptibility to (AAT11). Identifiers: MedGen C4479235, MONDO:0044301, OMIM 617349.
Congenital primary aphakia. Also called: ANTERIOR SEGMENT DYSGENESIS 2; Anterior segment dysgenesis 2, multiple subtypes. Identifiers: Orphanet 83461, MedGen C1853230, MONDO:0012456, OMIM 610256.
Anterior segment dysgenesis. Also called: Ocular anterior segment dysgenesis. Identifiers: Orphanet 88632, MedGen C1862839, MONDO:0019503, HP:0007700.

Allele frequency attached by ClinVar (database versions not stated): ExAC 0.00002; gnomAD exomes 0.00002.

Submissions (3):

Labcorp Genetics (formerly Invitae), Labcorp
Classification: Uncertain significance for Anterior segment dysgenesis; Congenital primary aphakia. Last evaluated: 2025-06-15. Review status: criteria provided, single submitter. Criteria: Invitae Variant Classification Sherloc (09022015). Collection method: clinical testing. Allele origin: germline.
Comment: This sequence change replaces glycine, which is neutral and non-polar, with aspartic acid, which is acidic and polar, at codon 137 of the FOXE3 protein (p.Gly137Asp). This variant is present in population databases (rs749960549, gnomAD 0.009%). This missense change has been observed in individual(s) with aortic dilation (PMID: 26854927). ClinVar contains an entry for this variant (Variation ID: 375652). Invitae Evidence Modeling of protein sequence and biophysical properties (such as structural, functional, and spatial information, amino acid conservation, physicochemical variation, residue mobility, and thermodynamic stability) indicates that this missense variant is not expected to disrupt FOXE3 protein function with a negative predictive value of 80%. In summary, the available evidence is currently insufficient to determine the role of this variant in disease. Therefore, it has been classified as a Variant of Uncertain Significance.

OMIM
Classification: risk factor for AORTIC ANEURYSM, FAMILIAL THORACIC 11, SUSCEPTIBILITY TO. Last evaluated: 2018-01-06. Review status: no assertion criteria provided. Collection method: literature only. Allele origin: germline. Not counted in ClinVar's aggregate classification.

University of Washington Center for Mendelian Genomics, University of Washington
Classification: Likely pathogenic for Familial thoracic aortic aneurysms; Acute aortic dissections. Last evaluated: 2016-02-08. Review status: no assertion criteria provided. Collection method: research. Allele origin: germline. Inheritance: Autosomal dominant inheritance. Affected: yes. Observed: 3 heterozygotes. Not counted in ClinVar's aggregate classification.

Literature cited by the submitters: PubMed 26854927 (cited by Labcorp Genetics (formerly Invitae), Labcorp and OMIM); PMC 4767350 (cited by University of Washington Center for Mendelian Genomics, University of Washington).